The following is an entry in ClinVar:

NM_005245.4(FAT1):c.6838C>T (p.Pro2280Ser)

Gene: FAT1 (FAT atypical cadherin 1; minus strand). Cytogenetic location: 4q35.2.
Variant type: single nucleotide variant.
Coding change: c.6838C>T on transcript NM_005245.4 (MANE Select); coding-DNA position 6838, C replaced by T.
Protein change: p.Pro2280Ser; replaces proline 2280 with serine.
Molecular consequence: missense variant.
Genome position (GRCh38, 1-based): chr4:186,619,748, G>A on the plus strand (C>T on the coding strand, the complement: FAT1 is on the minus strand). VCF-style: chr4-186619748-G-A. GRCh37 (hg19) VCF-style: chr4-187540902-G-A.
Other names: c.6838C>T (NM_005245.3); short protein forms P2280S.
Identifiers: ClinVar variation 3616772 (VCV003616772.3).

ClinVar aggregate classification (germline): Uncertain significance. Review status: criteria provided, multiple submitters, no conflicts (2 of 4 stars). 2 submissions from 2 submitters: Uncertain significance (2). Last evaluated 2026-07-22.

Conditions:
FAT1-related disorder. Also called: FAT1-related condition.

gnomAD v4.1: 3 of 1,613,850 alleles (0.00019%); highest among the groups gnomAD compares: Admixed American, 0.0033%; no homozygotes.

Submissions (2):

PreventionGenetics, part of Exact Sciences
Classification: Uncertain significance for FAT1-related condition. Last evaluated: 2026-07-22. Review status: criteria provided, single submitter. Criteria: ACMG Guidelines, 2015. Collection method: clinical testing. Allele origin: germline.
Comment: The FAT1 c.6838C>T variant is predicted to result in the amino acid substitution p.Pro2280Ser. To our knowledge, this variant has not been reported in the literature. This variant is reported in 0.0029% of alleles in individuals of Latino descent in gnomAD. At this time, the clinical significance of this variant is uncertain due to the absence of conclusive functional and genetic evidence.

Labcorp Genetics (formerly Invitae), Labcorp
Classification: Uncertain significance. Last evaluated: 2025-12-30. Review status: criteria provided, single submitter. Criteria: Invitae Variant Classification Sherloc (09022015). Collection method: clinical testing. Allele origin: germline.
Comment: This sequence change replaces proline, which is neutral and non-polar, with serine, which is neutral and polar, at codon 2280 of the FAT1 protein (p.Pro2280Ser). This variant is present in population databases (no rsID available, gnomAD 0.003%). This variant has not been reported in the literature in individuals affected with FAT1-related conditions. ClinVar contains an entry for this variant (Variation ID: 3616772). Invitae Evidence Modeling of protein sequence and biophysical properties (such as structural, functional, and spatial information, amino acid conservation, physicochemical variation, residue mobility, and thermodynamic stability) indicates that this missense variant is not expected to disrupt FAT1 protein function with a negative predictive value of 80%. In summary, the available evidence is currently insufficient to determine the role of this variant in disease. Therefore, it has been classified as a Variant of Uncertain Significance.